The following is an entry in ClinVar:

ClinVar aggregate classification (germline): Uncertain significance. Review status: criteria provided, multiple submitters, no conflicts (2 of 4 stars). 3 submissions from 3 submitters: Uncertain significance (3). Last evaluated 2024-11-27.

Conditions:
Sitosterolemia 1. Identifiers: MedGen C2749759, MONDO:0020747, OMIM 210250.

Allele frequency attached by ClinVar (database versions not stated): gnomAD exomes below 0.00001; gnomAD 0.00001; TOPMed 0.00001.
gnomAD v4.1: 4 of 1,614,082 alleles (0.00025%); highest among the groups gnomAD compares: Middle Eastern, 0.016%; no homozygotes.

Submissions (3):

Labcorp Genetics (formerly Invitae), Labcorp
Classification: Uncertain significance. Last evaluated: 2024-11-27. Review status: criteria provided, single submitter. Criteria: Invitae Variant Classification Sherloc (09022015). Collection method: clinical testing. Allele origin: germline.
Comment: This sequence change replaces glycine, which is neutral and non-polar, with tryptophan, which is neutral and slightly polar, at codon 136 of the ABCG8 protein (p.Gly136Trp). This variant is not present in population databases (gnomAD no frequency). This missense change has been observed in individual(s) with familial hypercholesterolemia (PMID: 32088153). ClinVar contains an entry for this variant (Variation ID: 2690823). Invitae Evidence Modeling of protein sequence and biophysical properties (such as structural, functional, and spatial information, amino acid conservation, physicochemical variation, residue mobility, and thermodynamic stability) indicates that this missense variant is expected to disrupt ABCG8 protein function with a positive predictive value of 80%. In summary, the available evidence is currently insufficient to determine the role of this variant in disease. Therefore, it has been classified as a Variant of Uncertain Significance.

Revvity Omics, Revvity
Classification: Uncertain significance for Sitosterolemia 1. Last evaluated: 2023-06-14. Review status: criteria provided, single submitter. Criteria: ACMG Guidelines, 2015. Collection method: clinical testing. Allele origin: germline.

Blueprint Genetics
Classification: Uncertain significance. Last evaluated: 2019-04-16. Review status: criteria provided, single submitter. Criteria: ACMG Guidelines, 2015. Collection method: clinical testing. Allele origin: germline.

Literature cited by the submitters: PubMed 32088153 (cited by Labcorp Genetics (formerly Invitae), Labcorp).

NM_022437.3(ABCG8):c.406G>T (p.Gly136Trp)

Gene: ABCG8 (ATP binding cassette subfamily G member 8; plus strand). Cytogenetic location: 2p21.
Variant type: single nucleotide variant.
Coding change: c.406G>T on transcript NM_022437.3 (MANE Select); coding-DNA position 406, G replaced by T.
Protein change: p.Gly136Trp; replaces glycine 136 with tryptophan.
Molecular consequence: missense variant.
Genome position (GRCh38, 1-based): chr2:43,851,667, G>T. VCF-style: chr2-43851667-G-T. GRCh37 (hg19) VCF-style: chr2-44078806-G-T.
Other names: c.406G>T, p.Gly136Trp (NM_001357321.2); short protein forms G136W.
Identifiers: ClinVar variation 2690823 (VCV002690823.5), dbSNP rs1668919784, ClinGen allele CA346665309.